The following is an entry in ClinVar:

ClinVar aggregate classification (germline): Uncertain significance (1 of 4 stars; one submission).

Submission:

GeneDx
Classification: Uncertain significance. Last evaluated: 2025-05-16. Review status: criteria provided, single submitter. Criteria: GeneDx Variant Classification Process June 2021. Collection method: clinical testing. Allele origin: germline. Affected: yes.
Comment: Not observed at significant frequency in large population cohorts (gnomAD); In silico analysis suggests that this missense variant does not alter protein structure/function; Has not been previously published as pathogenic or benign to our knowledge

NM_002485.5(NBN):c.1216T>C (p.Ser406Pro)

Gene: NBN (nibrin; minus strand). Cytogenetic location: 8q21.3.
Variant type: single nucleotide variant.
Coding change: c.1216T>C on transcript NM_002485.5 (MANE Select); coding-DNA position 1216, T replaced by C.
Protein change: p.Ser406Pro; replaces serine 406 with proline.
Molecular consequence: missense variant.
Genome position (GRCh38, 1-based): chr8:89,955,464, A>G on the plus strand (T>C on the coding strand, the complement: NBN is on the minus strand). VCF-style: chr8-89955464-A-G. GRCh37 (hg19) VCF-style: chr8-90967692-A-G.
Other names: c.970T>C, p.Ser324Pro (NM_001024688.3, NM_001440379.1, NM_001440380.1); short protein forms S324P, S406P.
Identifiers: ClinVar variation 4529643 (VCV004529643.1).
Genomic context (GRCh38, chr8:89,955,464, plus strand): 5'-TTCTCATCTTAGCCAAAGTATTTGATACCATACTATTATTATTAGAGCTTGTTTTGCAGG[A>G]CTCCTTTACAGTGGGTGCATCTTGTGAAAGCATTCTGAATTTTTGTTCCATTTTGGAGAC-3'
Protein context (NP_002476.2, residues 396-416): LSQDAPTVKE[Ser406Pro]CKTSSNNNSM